The following is an entry in ClinVar:

ClinVar aggregate classification (germline): Uncertain significance. Review status: criteria provided, multiple submitters, no conflicts (2 of 4 stars). 2 submissions from 2 submitters: Uncertain significance (2). Last evaluated 2024-01-10.

gnomAD v4.1: 1 of 1,613,874 alleles (0.000062%); no homozygotes.

Submissions (2):

Labcorp Genetics (formerly Invitae), Labcorp
Classification: Uncertain significance. Last evaluated: 2024-01-10. Review status: criteria provided, single submitter. Criteria: Invitae Variant Classification Sherloc (09022015). Collection method: clinical testing. Allele origin: germline.
Comment: This sequence change falls in intron 8 of the COL18A1 gene. It does not directly change the encoded amino acid sequence of the COL18A1 protein. This variant is not present in population databases (gnomAD no frequency). This variant has not been reported in the literature in individuals affected with COL18A1-related conditions. ClinVar contains an entry for this variant (Variation ID: 1477471). Algorithms developed to predict the effect of sequence changes on RNA splicing suggest that this variant may disrupt the consensus splice site. In summary, the available evidence is currently insufficient to determine the role of this variant in disease. Therefore, it has been classified as a Variant of Uncertain Significance.

Blueprint Genetics
Classification: Uncertain significance. Last evaluated: 2020-04-23. Review status: criteria provided, single submitter. Criteria: ACMG Guidelines, 2015. Collection method: clinical testing. Allele origin: germline.

NM_001379500.1(COL18A1):c.1222-12T>C

Genes: COL18A1 (collagen type XVIII alpha 1 chain; plus strand), MIR6815 (microRNA 6815; plus strand). Cytogenetic location: 21q22.3.
Variant type: single nucleotide variant.
Coding change: c.1222-12T>C on transcript NM_001379500.1 (MANE Select); 12 bases into the intron before coding-DNA position 1222, T replaced by C.
Molecular consequence: intron variant. On other transcripts: non-coding transcript variant (1).
Genome position (GRCh38, 1-based): chr21:45,478,315, T>C. VCF-style: chr21-45478315-T-C. GRCh37 (hg19) VCF-style: chr21-46898229-T-C.
Other names: c.2467-12T>C (NM_130444.3); c.1762-12T>C (NM_030582.4).
Identifiers: ClinVar variation 1477471 (VCV001477471.7), dbSNP rs2145926793, ClinGen allele CA2573157600.